The following is an entry in ClinVar:

ClinVar aggregate classification (germline): Uncertain significance (1 of 4 stars; one submission).

Conditions:
Infantile hypophosphatasia. Identifiers: Orphanet 247651, Orphanet 436, MedGen C0268412, MONDO:1010169, OMIM 241500, MONDO:0009427.

gnomAD v4.1: 1 of 1,610,306 alleles (0.000062%); highest among the groups gnomAD compares: Non-Finnish European, 0.000085%; no homozygotes.

Submission:

Medical Molecular Genetics, National Research Centre
Classification: Uncertain significance for Infantile hypophosphatasia. Last evaluated: 2026-05-01. Review status: criteria provided, single submitter. Criteria: ACMG Guidelines, 2015. Collection method: research. Allele origin: inherited. Affected: yes.
Comment: The missense variant c.1405C>T (p.His469Tyr) in the ALPL gene affects a highly conserved amino acid residue located within exon 12 of the tissue-nonspecific alkaline phosphatase protein. This residue lies within a functionally important domain, and substitution of histidine with tyrosine represents a physicochemically non-conservative change, which may impact protein structure and/or enzymatic activity. In silico prediction tools consistently support a deleterious effect on the protein (PP3). The variant is absent or present at extremely low frequency in large population databases such as gnomAD (PM2_supporting). Furthermore, missense variants are a well-established mechanism of disease in ALPL, which is associated with hypophosphatasia (PP2).

NM_000478.6(ALPL):c.1405C>T (p.His469Tyr)

Gene: ALPL (alkaline phosphatase, biomineralization associated; plus strand). Cytogenetic location: 1p36.12.
Variant type: single nucleotide variant.
Coding change: c.1405C>T on transcript NM_000478.6 (MANE Select); coding-DNA position 1405, C replaced by T.
Protein change: p.His469Tyr; replaces histidine 469 with tyrosine.
Molecular consequence: missense variant.
Genome position (GRCh38, 1-based): chr1:21,577,478, C>T. VCF-style: chr1-21577478-C-T. GRCh37 (hg19) VCF-style: chr1-21903971-C-T.
Other names: c.1240C>T, p.His414Tyr (NM_001127501.4); c.1174C>T, p.His392Tyr (NM_001177520.3); c.1405C>T, p.His469Tyr (NM_001369803.2, NM_001369804.2, NM_001369805.2); short protein forms H392Y, H414Y, H469Y.
Identifiers: ClinVar variation 4849561 (VCV004849561.1).
Genomic context (GRCh38, chr1:21,577,478, plus strand): 5'-CTGCGCCACGAGACCCACGGCGGGGAGGACGTGGCCGTCTTCTCCAAGGGCCCCATGGCG[C>T]ACCTGCTGCACGGCGTCCACGAGCAGAACTACGTCCCCCACGTGATGGCGTATGCAGCCT-3'
Protein context (NP_000469.3, residues 459-479): VAVFSKGPMA[His469Tyr]LLHGVHEQNY